The following is an entry in ClinVar:

ClinVar aggregate classification (germline): Uncertain significance (1 of 4 stars; one submission).

Submission:

Labcorp Genetics (formerly Invitae), Labcorp
Classification: Uncertain significance. Last evaluated: 2021-09-02. Review status: criteria provided, single submitter. Criteria: Invitae Variant Classification Sherloc (09022015). Collection method: clinical testing. Allele origin: germline.
Comment: In summary, the available evidence is currently insufficient to determine the role of this variant in disease. Therefore, it has been classified as a Variant of Uncertain Significance. This variant is not present in population databases (ExAC no frequency). This variant has not been reported in the literature in individuals affected with PLEKHM2-related conditions. Algorithms developed to predict the effect of missense changes on protein structure and function are either unavailable or do not agree on the potential impact of this missense change (SIFT: "Deleterious"; PolyPhen-2: "Possibly Damaging"; Align-GVGD: "Class C0"). This sequence change replaces alanine with glycine at codon 128 of the PLEKHM2 protein (p.Ala128Gly). The alanine residue is highly conserved and there is a small physicochemical difference between alanine and glycine.

NM_015164.4(PLEKHM2):c.383C>G (p.Ala128Gly)

Gene: PLEKHM2 (pleckstrin homology and RUN domain containing M2; plus strand). Cytogenetic location: 1p36.21.
Variant type: single nucleotide variant.
Coding change: c.383C>G on transcript NM_015164.4 (MANE Select); coding-DNA position 383, C replaced by G.
Protein change: p.Ala128Gly; replaces alanine 128 with glycine.
Molecular consequence: missense variant.
Genome position (GRCh38, 1-based): chr1:15,718,543, C>G. VCF-style: chr1-15718543-C-G. GRCh37 (hg19) VCF-style: chr1-16045038-C-G.
Other names: short protein forms A128G.
Identifiers: ClinVar variation 1436390 (VCV001436390.6), dbSNP rs2148359540, ClinGen allele CA338579482.